The following is an entry in ClinVar:

ClinVar aggregate classification (germline): Uncertain significance (1 of 4 stars; one submission).

Conditions:
Cohen syndrome (COH1). Also called: PEPPER SYNDROME; Cutis verticis gyrata, retinitis pigmentosa, and sensorineural deafness. Identifiers: Orphanet 193, MedGen C0265223, MONDO:0008999, OMIM 216550.

Allele frequency attached by ClinVar (database versions not stated): gnomAD exomes below 0.00001 and 0.00001.
gnomAD v4.1: 20 of 1,614,106 alleles (0.0012%); highest among the groups gnomAD compares: Non-Finnish European, 0.0016%; no homozygotes.

Submission:

Labcorp Genetics (formerly Invitae), Labcorp
Classification: Uncertain significance for Cohen syndrome. Last evaluated: 2023-12-11. Review status: criteria provided, single submitter. Criteria: Invitae Variant Classification Sherloc (09022015). Collection method: clinical testing. Allele origin: germline.
Comment: This sequence change replaces lysine with arginine at codon 1007 of the VPS13B protein (p.Lys1007Arg). The lysine residue is weakly conserved and there is a small physicochemical difference between lysine and arginine. This variant is present in population databases (no rsID available, gnomAD 0.0009%). This variant has not been reported in the literature in individuals affected with VPS13B-related conditions. ClinVar contains an entry for this variant (Variation ID: 1438723). Advanced modeling of protein sequence and biophysical properties (such as structural, functional, and spatial information, amino acid conservation, physicochemical variation, residue mobility, and thermodynamic stability) performed at Invitae indicates that this missense variant is not expected to disrupt VPS13B protein function with a negative predictive value of 80%. In summary, the available evidence is currently insufficient to determine the role of this variant in disease. Therefore, it has been classified as a Variant of Uncertain Significance.

NM_152564.5(VPS13B):c.3020A>G (p.Lys1007Arg)

Gene: VPS13B (vacuolar protein sorting 13 homolog B; plus strand). Cytogenetic location: 8q22.2.
Variant type: single nucleotide variant.
Coding change: c.3020A>G on transcript NM_152564.5 (MANE Select); coding-DNA position 3020, A replaced by G.
Protein change: p.Lys1007Arg; replaces lysine 1007 with arginine.
Molecular consequence: missense variant.
Genome position (GRCh38, 1-based): chr8:99,391,642, A>G. VCF-style: chr8-99391642-A-G. GRCh37 (hg19) VCF-style: chr8-100403870-A-G.
Other names: c.3020A>G, p.Lys1007Arg (NM_017890.5); short protein forms K1007R.
Identifiers: ClinVar variation 1438723 (VCV001438723.9), dbSNP rs1297164249, ClinGen allele CA371865745.